The following is an entry in ClinVar:

NM_001114753.3(ENG):c.1851G>A (p.Thr617=)

Gene: ENG (endoglin; minus strand). Cytogenetic location: 9q34.11.
Variant type: single nucleotide variant.
Coding change: c.1851G>A on transcript NM_001114753.3 (MANE Select); coding-DNA position 1851, G replaced by A.
Protein change: p.Thr617=; no amino-acid change (threonine 617 retained).
Molecular consequence: synonymous variant.
Genome position (GRCh38, 1-based): chr9:127,815,944, C>T on the plus strand (G>A on the coding strand, the complement: ENG is on the minus strand). VCF-style: chr9-127815944-C-T. GRCh37 (hg19) VCF-style: chr9-130578223-C-T.
Other names: c.1851G>A, p.Thr617= (NM_000118.4); c.1305G>A, p.Thr435= (NM_001278138.2).
Identifiers: ClinVar variation 1098933 (VCV001098933.18), dbSNP rs747344646, ClinGen allele CA5252619.
Genomic context (GRCh38, chr9:127,815,944, plus strand): 5'-GCTCCCCCGGGTGGATGGAGGGGCCCGGCATGCTCACTGTGGGGGCCTGGGGTACTCACG[C>T]GTGTGCGAGTAGATGTACCAGAGTGCAGCAGTGAGCAGGGCCCCGATGAGGAAGGCACCA-3'
Protein context (NP_001108225.1, residues 607-627): TAALWYIYSH[Thr617=]RSPSKREPVV

ClinVar aggregate classification (germline): Likely benign. Review status: criteria provided, multiple submitters, no conflicts (2 of 4 stars). 5 submissions from 5 submitters: Likely benign (5). Last evaluated 2026-02-01.

Conditions:
ENG-related disorder. Also called: ENG-related condition; ENG-related disorders.
Hereditary hemorrhagic telangiectasia (HHT). Also called: Osler hemorrhagic telangiectasia syndrome; ORW DISEASE; Osler Weber Rendu syndrome; OSLER-RENDU-WEBER DISEASE. Identifiers: Orphanet 774, MedGen C0039445, MONDO:0019180. Disease mechanism: loss of function.
Cardiovascular phenotype. Identifiers: MedGen CN230736.

Allele frequency attached by ClinVar (database versions not stated): gnomAD exomes 0.00002 and 0.00004; gnomAD 0.00003 and 0.00004; TOPMed 0.00004; ExAC 0.00006.
gnomAD v4.1: 36 of 1,595,614 alleles (0.0023%); highest among the groups gnomAD compares: Middle Eastern, 0.05%; no homozygotes.

Submissions (5):

CeGaT Center for Human Genetics Tuebingen
Classification: Likely benign. Last evaluated: 2026-02-01. Review status: criteria provided, single submitter. Criteria: CeGaT Center For Human Genetics Tuebingen Variant Classification Criteria Version 2. Collection method: clinical testing. Allele origin: germline. Affected: yes. Observed: 1 variant allele.
Comment: ENG: BP4, BP7

Labcorp Genetics (formerly Invitae), Labcorp
Classification: Likely benign for Hereditary hemorrhagic telangiectasia. Last evaluated: 2025-08-04. Review status: criteria provided, single submitter. Criteria: Invitae Variant Classification Sherloc (09022015). Collection method: clinical testing. Allele origin: germline.

PreventionGenetics, part of Exact Sciences
Classification: Likely benign for ENG-related condition. Last evaluated: 2025-07-08. Review status: criteria provided, single submitter. Criteria: ACMG Guidelines, 2015. Collection method: clinical testing. Allele origin: germline.
Comment: This variant is classified as likely benign based on ACMG/AMP sequence variant interpretation guidelines (Richards et al. 2015 PMID: 25741868, with internal and published modifications).

Ambry Genetics
Classification: Likely benign for Cardiovascular phenotype. Last evaluated: 2023-01-16. Review status: criteria provided, single submitter. Criteria: Ambry Variant Classification Scheme 2023. Collection method: clinical testing. Allele origin: germline.

Blueprint Genetics
Classification: Likely benign. Last evaluated: 2021-03-17. Review status: criteria provided, single submitter. Criteria: ACMG Guidelines, 2015. Collection method: clinical testing. Allele origin: germline.